The following is an entry in ClinVar:

ClinVar aggregate classification (germline): Uncertain significance (1 of 4 stars; one submission).

Conditions:
Spondylometaphyseal dysplasia - Sutcliffe type. Also called: Sutcliffe type of spondylometaphyseal dysplasia; Sutcliffe SMD; Spondylometaphyseal Dysplasia, Corner Fracture Type; Spondylometaphyseal dysplasia, 'corner fracture' type. Identifiers: Orphanet 93315, MedGen C0432221, MONDO:0008479, OMIM 184255.

Submission:

Neuberg Centre For Genomic Medicine, NCGM
Classification: Uncertain significance for Spondylometaphyseal dysplasia - Sutcliffe type. Last evaluated: 2024-02-01. Review status: criteria provided, single submitter. Criteria: ACMG Guidelines, 2015. Collection method: clinical testing. Allele origin: germline. Inheritance: Autosomal dominant inheritance.
Comment: The above variant has not been reported previously as a pathogenic variant nor as a benign variant, to our knowledge. For these reasons, this variant has been classified as Variant of Uncertain Significance (VUS)

NM_212482.4(FN1):c.1944A>T (p.Lys648Asn)

Gene: FN1 (fibronectin 1; minus strand). Cytogenetic location: 2q35.
Variant type: single nucleotide variant.
Coding change: c.1944A>T on transcript NM_212482.4 (MANE Select); coding-DNA position 1944, A replaced by T.
Protein change: p.Lys648Asn; replaces lysine 648 with asparagine.
Molecular consequence: missense variant.
Genome position (GRCh38, 1-based): chr2:215,410,112, T>A on the plus strand (A>T on the coding strand, the complement: FN1 is on the minus strand). VCF-style: chr2-215410112-T-A. GRCh37 (hg19) VCF-style: chr2-216274835-T-A.
Other names: c.1944A>T, p.Lys648Asn (NM_001306129.2, NM_001306130.2, NM_001306131.2 and 13 more transcripts); short protein forms K648N.
Identifiers: ClinVar variation 3897971 (VCV003897971.1).